The following is an entry in ClinVar:

NM_000057.4(BLM):c.2480T>A (p.Met827Lys)

Gene: BLM (BLM RecQ like helicase; plus strand). Cytogenetic location: 15q26.1.
Variant type: single nucleotide variant.
Coding change: c.2480T>A on transcript NM_000057.4 (MANE Select); coding-DNA position 2480, T replaced by A.
Protein change: p.Met827Lys; replaces methionine 827 with lysine.
Molecular consequence: missense variant.
Genome position (GRCh38, 1-based): chr15:90,769,511, T>A. VCF-style: chr15-90769511-T-A. GRCh37 (hg19) VCF-style: chr15-91312741-T-A.
Other names: c.2480T>A, p.Met827Lys (NM_001287246.2, NM_001287247.2); c.1355T>A, p.Met452Lys (NM_001287248.2); short protein forms M827K, M452K.
Identifiers: ClinVar variation 524784 (VCV000524784.15), dbSNP rs748250819, ClinGen allele CA7738786.
Genomic context (GRCh38, chr15:90,769,511, plus strand): 5'-TTCGTCAAGATTACAAAAGAATGAATATGCTTCGCCAGAAGTTTCCTTCTGTTCCGGTGA[T>A]GGCTCTTACGGCCACAGCTAATCCCAGGGTACAGAAGGACATCCTGACTCAGCTGAAGAT-3'
Protein context (NP_000048.1, residues 817-837): LRQKFPSVPV[Met827Lys]ALTATANPRV

ClinVar aggregate classification (germline): Uncertain significance. Review status: criteria provided, multiple submitters, no conflicts (2 of 4 stars). 3 submissions from 3 submitters: Uncertain significance (3). Last evaluated 2025-11-11.

Conditions:
Bloom syndrome (BLM). Also called: Bloom-Torre-Machacek syndrome. Identifiers: Orphanet 125, MedGen C0005859, MONDO:0008876, OMIM 210900.
Hereditary cancer-predisposing syndrome. Also called: Neoplastic Syndromes, Hereditary; Hereditary neoplastic syndrome; Tumor predisposition; Hereditary Cancer Syndrome. Identifiers: Orphanet 140162, MedGen C0027672, MeSH D009386, MONDO:0015356.

Allele frequency attached by ClinVar (database versions not stated): gnomAD 0.00001; TOPMed 0.00001.
gnomAD v4.1: 36 of 1,613,876 alleles (0.0022%); highest among the groups gnomAD compares: Non-Finnish European, 0.0031%; no homozygotes.

Submissions (3):

Labcorp Genetics (formerly Invitae), Labcorp
Classification: Uncertain significance for Bloom syndrome. Last evaluated: 2025-11-11. Review status: criteria provided, single submitter. Criteria: Invitae Variant Classification Sherloc (09022015). Collection method: clinical testing. Allele origin: germline.
Comment: This sequence change replaces methionine, which is neutral and non-polar, with lysine, which is basic and polar, at codon 827 of the BLM protein (p.Met827Lys). This variant is present in population databases (rs748250819, gnomAD 0.003%). This variant has not been reported in the literature in individuals affected with BLM-related conditions. ClinVar contains an entry for this variant (Variation ID: 524784). Invitae Evidence Modeling of protein sequence and biophysical properties (such as structural, functional, and spatial information, amino acid conservation, physicochemical variation, residue mobility, and thermodynamic stability) indicates that this missense variant is expected to disrupt BLM protein function with a positive predictive value of 80%. RNA analysis performed to evaluate the impact of this missense change on mRNA splicing indicates it does not significantly alter splicing (internal data). In summary, the available evidence is currently insufficient to determine the role of this variant in disease. Therefore, it has been classified as a Variant of Uncertain Significance.

Ambry Genetics
Classification: Uncertain significance for Hereditary cancer-predisposing syndrome. Last evaluated: 2024-08-10. Review status: criteria provided, single submitter. Criteria: Ambry Variant Classification Scheme 2023. Collection method: clinical testing. Allele origin: germline.
Comment: The p.M827K variant (also known as c.2480T>A), located in coding exon 11 of the BLM gene, results from a T to A substitution at nucleotide position 2480. The methionine at codon 827 is replaced by lysine, an amino acid with similar properties. This amino acid position is highly conserved in available vertebrate species. In addition, this alteration is predicted to be deleterious by in silico analysis. Since supporting evidence is limited at this time, the clinical significance of this alteration remains unclear.

Fulgent Genetics
Classification: Uncertain significance for Bloom syndrome. Last evaluated: 2018-10-31. Review status: criteria provided, single submitter. Criteria: ACMG Guidelines, 2015. Collection method: clinical testing. Allele origin: unknown.